The following is an entry in ClinVar:

ClinVar aggregate classification (germline): Uncertain significance (1 of 4 stars; one submission).

Conditions:
Pyogenic arthritis-pyoderma gangrenosum-acne syndrome (PAPA). Also called: PAPA SYNDROME; FAMILIAL RECURRENT ARTHRITIS. Identifiers: Orphanet 69126, MedGen C1858361, MONDO:0011462, OMIM 604416.

Allele frequency attached by ClinVar (database versions not stated): gnomAD exomes 0.00001 and 0.00002; gnomAD 0.00003; TOPMed 0.00003.
gnomAD v4.1: 16 of 1,543,338 alleles (0.001%); highest among the groups gnomAD compares: Non-Finnish European, 0.0014%; no homozygotes.

Submission:

Labcorp Genetics (formerly Invitae), Labcorp
Classification: Uncertain significance for Pyogenic arthritis-pyoderma gangrenosum-acne syndrome. Last evaluated: 2025-11-18. Review status: criteria provided, single submitter. Criteria: Invitae Variant Classification Sherloc (09022015). Collection method: clinical testing. Allele origin: germline.
Comment: This sequence change replaces lysine, which is basic and polar, with glutamine, which is neutral and polar, at codon 118 of the PSTPIP1 protein (p.Lys118Gln). This variant is present in population databases (no rsID available, gnomAD 0.005%). This variant has not been reported in the literature in individuals affected with PSTPIP1-related conditions. ClinVar contains an entry for this variant (Variation ID: 1406413). An algorithm developed to predict the effect of missense changes on protein structure and function (PolyPhen-2) suggests that this variant is likely to be tolerated. In summary, the available evidence is currently insufficient to determine the role of this variant in disease. Therefore, it has been classified as a Variant of Uncertain Significance.

NM_003978.5(PSTPIP1):c.352A>C (p.Lys118Gln)

Gene: PSTPIP1 (proline-serine-threonine phosphatase interacting protein 1; plus strand). Cytogenetic location: 15q24.3.
Variant type: single nucleotide variant.
Coding change: c.352A>C on transcript NM_003978.5 (MANE Select); coding-DNA position 352, A replaced by C.
Protein change: p.Lys118Gln; replaces lysine 118 with glutamine.
Molecular consequence: missense variant. On other transcripts: non-coding transcript variant (1).
Genome position (GRCh38, 1-based): chr15:77,025,602, A>C. VCF-style: chr15-77025602-A-C. GRCh37 (hg19) VCF-style: chr15-77317943-A-C.
Other names: c.352A>C, p.Lys118Gln (NM_001321135.2); c.325A>C, p.Lys109Gln (NM_001321136.2); c.547A>C, p.Lys183Gln (NM_001321137.1); short protein forms K109Q, K118Q, K183Q.
Identifiers: ClinVar variation 1406413 (VCV001406413.8), dbSNP rs1000642747, ClinGen allele CA273752137.